The following is an entry in ClinVar:

ClinVar aggregate classification (germline): Uncertain significance (1 of 4 stars; one submission).

Conditions:
Cardiovascular phenotype. Identifiers: MedGen CN230736.

Submission:

Ambry Genetics
Classification: Uncertain significance for Cardiovascular phenotype. Last evaluated: 2026-07-07. Review status: criteria provided, single submitter. Criteria: Ambry Variant Classification Scheme 2023. Collection method: clinical testing. Allele origin: germline.
Comment: The p.T115I variant (also known as c.344C>T), located in coding exon 3 of the ACVRL1 gene, results from a C to T substitution at nucleotide position 344. The threonine at codon 115 is replaced by isoleucine, an amino acid with similar properties. This amino acid position is conserved. In addition, this alteration is predicted to be tolerated by in silico analysis. Based on the available evidence, the clinical significance of this variant remains unclear.

NM_000020.3(ACVRL1):c.344C>T (p.Thr115Ile)

Gene: ACVRL1 (activin A receptor like type 1; plus strand). Cytogenetic location: 12q13.13.
Variant type: single nucleotide variant.
Coding change: c.344C>T on transcript NM_000020.3 (MANE Select); coding-DNA position 344, C replaced by T.
Protein change: p.Thr115Ile; replaces threonine 115 with isoleucine.
Molecular consequence: missense variant. On other transcripts: intron variant (6).
Genome position (GRCh38, 1-based): chr12:51,913,589, C>T. VCF-style: chr12-51913589-C-T. GRCh37 (hg19) VCF-style: chr12-52307373-C-T.
Other names: c.344C>T, p.Thr115Ile (NM_001077401.2, NM_001406487.1, NM_001406488.1 and 1 more transcripts); c.313+239C>T (NM_001406491.1, NM_001406490.1, NM_001406492.1 and 2 more transcripts); c.62-850C>T (NM_001406495.1); short protein forms T115I.
Identifiers: ClinVar variation 5032702 (VCV005032702.1).